The following is an entry in ClinVar:

ClinVar aggregate classification (germline): Uncertain significance (1 of 4 stars; one submission).

Conditions:
Baller-Gerold syndrome (BGS). Also called: CRANIOSYNOSTOSIS WITH RADIAL DEFECTS. Identifiers: Orphanet 1225, MedGen C0265308, MONDO:0009039, OMIM 218600.

Allele frequency attached by ClinVar (database versions not stated): gnomAD exomes below 0.00001.

Submission:

Labcorp Genetics (formerly Invitae), Labcorp
Classification: Uncertain significance for Baller-Gerold syndrome. Last evaluated: 2023-09-25. Review status: criteria provided, single submitter. Criteria: Invitae Variant Classification Sherloc (09022015). Collection method: clinical testing. Allele origin: germline.
Comment: In summary, the available evidence is currently insufficient to determine the role of this variant in disease. Therefore, it has been classified as a Variant of Uncertain Significance. Advanced modeling of protein sequence and biophysical properties (such as structural, functional, and spatial information, amino acid conservation, physicochemical variation, residue mobility, and thermodynamic stability) performed at Invitae indicates that this missense variant is not expected to disrupt RECQL4 protein function. ClinVar contains an entry for this variant (Variation ID: 653376). This variant has not been reported in the literature in individuals affected with RECQL4-related conditions. The frequency data for this variant in the population databases is considered unreliable, as metrics indicate poor data quality at this position in the gnomAD database. This sequence change replaces alanine, which is neutral and non-polar, with threonine, which is neutral and polar, at codon 1130 of the RECQL4 protein (p.Ala1130Thr).

NM_004260.4(RECQL4):c.3388G>A (p.Ala1130Thr)

Gene: RECQL4 (RecQ like helicase 4; minus strand). Cytogenetic location: 8q24.3.
Variant type: single nucleotide variant.
Coding change: c.3388G>A on transcript NM_004260.4 (MANE Select); coding-DNA position 3388, G replaced by A.
Protein change: p.Ala1130Thr; replaces alanine 1130 with threonine.
Molecular consequence: missense variant.
Genome position (GRCh38, 1-based): chr8:144,511,916, C>T on the plus strand (G>A on the coding strand, the complement: RECQL4 is on the minus strand). VCF-style: chr8-144511916-C-T. GRCh37 (hg19) VCF-style: chr8-145737299-C-T.
Other names: short protein forms A1130T.
Identifiers: ClinVar variation 653376 (VCV000653376.3), dbSNP rs1186946412, ClinGen allele CA372667944.